The following is an entry in ClinVar:

ClinVar aggregate classification (germline): Uncertain significance (1 of 4 stars; one submission).

Conditions:
Hereditary cancer-predisposing syndrome. Also called: Neoplastic Syndromes, Hereditary; Tumor predisposition; Hereditary Cancer Syndrome; Hereditary neoplastic syndrome. Identifiers: Orphanet 140162, MedGen C0027672, MeSH D009386, MONDO:0015356.

Submission:

Ambry Genetics
Classification: Uncertain significance for Hereditary cancer-predisposing syndrome. Last evaluated: 2025-07-09. Review status: criteria provided, single submitter. Criteria: Ambry Variant Classification Scheme 2023. Collection method: clinical testing. Allele origin: germline.
Comment: The c.2975G>T variant (also known as p.R992M), located in coding exon 20 of the TSC1 gene, results from a G to T substitution at nucleotide position 2975. The amino acid change results in arginine to methionine at codon 992, an amino acid with similar properties. However, this change occurs in the last base pair of coding exon 20, which makes it likely to have some effect on normal mRNA splicing. This nucleotide position is highly conserved in available vertebrate species. In silico splice site analysis predicts that this alteration will weaken the native splice donor site. RNA studies have demonstrated that this alteration results in a transcript predicted to lead to a protein with an in-frame deletion of 54 amino acids; however, the exact functional impact of the deleted amino acids is unknown at this time (Ambry internal data). Based on the available evidence, the clinical significance of this variant remains unclear.

NM_000368.5(TSC1):c.2975G>T (p.Arg992Met)

Gene: TSC1 (TSC complex subunit 1; minus strand). Cytogenetic location: 9q34.13.
Variant type: single nucleotide variant.
Coding change: c.2975G>T on transcript NM_000368.5 (MANE Select); coding-DNA position 2975, G replaced by T.
Protein change: p.Arg992Met; replaces arginine 992 with methionine.
Molecular consequence: missense variant. On other transcripts: non-coding transcript variant (5).
Genome position (GRCh38, 1-based): chr9:132,897,184, C>A on the plus strand (G>T on the coding strand, the complement: TSC1 is on the minus strand). VCF-style: chr9-132897184-C-A. GRCh37 (hg19) VCF-style: chr9-135772571-C-A.
Other names: c.2567G>T, p.Arg856Met (NM_001406625.1); c.2024G>T, p.Arg675Met (NM_001406626.1); c.2021G>T, p.Arg674Met (NM_001406627.1, NM_001406628.1); c.1922G>T, p.Arg641Met (NM_001406629.1, NM_001406630.1); c.2972G>T, p.Arg991Met (NM_001162426.2, NM_001406597.1, NM_001406598.1 and 2 more transcripts); c.2822G>T, p.Arg941Met (NM_001162427.2, NM_001406610.1); c.2612G>T, p.Arg871Met (NM_001362177.2, NM_001406614.1, NM_001406615.1 and 4 more transcripts); c.2975G>T, p.Arg992Met (NM_001406592.1, NM_001406593.1, NM_001406594.1 and 2 more transcripts); and 8 more; short protein forms R941M, R978M, R641M, R675M, R871M, R977M, R987M, R857M.
Identifiers: ClinVar variation 4192061 (VCV004192061.1).